The following is an entry in ClinVar:

ClinVar aggregate classification (germline): Likely pathogenic (3 of 4 stars; one submission).

Conditions:
Severe myoclonic epilepsy in infancy (DRVT). Also called: SEVERE MYOCLONIC EPILEPSY OF INFANCY; Dravet syndrome; Epileptic encephalopathy, early infantile, 6 (Dravet syndrome); DEVELOPMENTAL AND EPILEPTIC ENCEPHALOPATHY 6A; Severe Myoclonic Epilepsy in Infancy (SMEI). Identifiers: Orphanet 33069, MedGen C0751122, MONDO:0100135, OMIM 607208.

Submission:

ClinGen Epilepsy Sodium Channel Variant Curation Expert Panel, Clingen
Classification: Likely pathogenic for Severe myoclonic epilepsy in infancy. Last evaluated: 2024-05-09. Review status: reviewed by expert panel. Criteria: ClinGen EpilepsySCN ACMG Specifications SCN1A V1.0.0. Collection method: curation. Allele origin: germline. Inheritance: Autosomal dominant inheritance.
Comment: The c.5511delG (p.(Pro1838Leufs*20)) variant in SCN1A is a frameshift variant that may cause a premature stop codon that is predicted to escape nonsense mediated decay, however it is a truncation of a functionally important region (removes amino acids 1921-1934) in a gene where loss-of-function is an established disease mechanism (PVS1_Strong). This variant has been reported in one individual with Dravet syndrome in the published literature, however no parental segregation studies were performed (PMID: 33067208; PS4_Moderate). This variant is absent from the population database, gnomADv4.0 (PM2_Supporting). In summary, this variant meets criteria to be classified as Likely Pathogenic for Autosomal Dominant Dravet syndrome based on the ACMG/AMP criteria applied: PVS1_Strong, PS4_Moderate, PM2_Supporting, as specified by the ClinGen Epilepsy Sodium Channel VCEP (Version 1.0, approved 12/11/23).

NM_001165963.4(SCN1A):c.5511del (p.Pro1838fs)

Genes: SCN1A (sodium voltage-gated channel alpha subunit 1; minus strand), LOC102724058 (uncharacterized LOC102724058; plus strand). Cytogenetic location: 2q24.3.
Variant type: Deletion.
Coding change: c.5511del on transcript NM_001165963.4 (MANE Select); coding-DNA position 5511, one base deleted (G; older notation c.5511delG).
Protein change: p.Pro1838fs; shifts the reading frame from proline 1838.
Molecular consequence: frameshift variant. On other transcripts: non-coding transcript variant (1).
Genome position (GRCh38, 1-based): chr2:165,991,764, C deleted on the plus strand (G on the coding strand, the reverse complement: SCN1A is on the minus strand). VCF-style (leftmost placement, unchanged base first): chr2-165991763-GC-G. GRCh37 (hg19) VCF-style: chr2-166848273-GC-G.
Other names: NM_001165963.4:c.5511del; c.5427del, p.Pro1810fs (NM_001165964.3, NM_001353957.2, NM_001353958.2); c.5511del, p.Pro1838fs (NM_001202435.3, NM_001353948.2); c.5478del, p.Pro1827fs (NM_001353949.2, NM_001353950.2, NM_001353951.2 and 2 more transcripts); c.5475del, p.Pro1826fs (NM_001353954.2, NM_001353955.2); c.5424del, p.Pro1809fs (NM_001353960.2); c.3069del, p.Pro1024fs (NM_001353961.2); short protein forms P1024fs, P1809fs, P1810fs, P1826fs, P1827fs, P1838fs.
Identifiers: ClinVar variation 3242418 (VCV003242418.1), dbSNP rs2468330581.
Genomic context (GRCh38, chr2:165,991,763, plus strand): 5'-TCACCATGGGCAAATCCATGGCAATGAGCTGGAGTTTGTTTGGTTGTGGCAGATTGAGAG[GC>G]GGTTCAAGCGCAGCTGCAAACTGAGATAATTTTTCAAATTCCATGAACTGAGTTGCATCG-3'